The following is an entry in ClinVar:

ClinVar aggregate classification (germline): Uncertain significance (1 of 4 stars; one submission).

Conditions:
Leber congenital amaurosis 1 (LCA1). Also called: AMAUROSIS CONGENITA OF LEBER I; RETINAL BLINDNESS, CONGENITAL; Congenital absence of the rods and cones; Leber's congenital tapetoretinal degeneration; Leber's congenital tapetoretinal dysplasia. Identifiers: Orphanet 65, MedGen C2931258, MONDO:0008764, OMIM 204000.
Cone-rod dystrophy 6 (CORD6). Also called: RETINAL CONE DYSTROPHY 2; Cone dystrophy progressive. Identifiers: Orphanet 1872, MedGen C1866293, MONDO:0011143, OMIM 601777.

Submission:

Labcorp Genetics (formerly Invitae), Labcorp
Classification: Uncertain significance for Leber congenital amaurosis 1; Cone-rod dystrophy 6. Last evaluated: 2025-06-11. Review status: criteria provided, single submitter. Criteria: Invitae Variant Classification Sherloc (09022015). Collection method: clinical testing. Allele origin: germline.
Comment: This sequence change replaces alanine, which is neutral and non-polar, with threonine, which is neutral and polar, at codon 76 of the GUCY2D protein (p.Ala76Thr). This variant is not present in population databases (gnomAD no frequency). This variant has not been reported in the literature in individuals affected with GUCY2D-related conditions. Invitae Evidence Modeling of protein sequence and biophysical properties (such as structural, functional, and spatial information, amino acid conservation, physicochemical variation, residue mobility, and thermodynamic stability) indicates that this missense variant is expected to disrupt GUCY2D protein function with a positive predictive value of 80%. In summary, the available evidence is currently insufficient to determine the role of this variant in disease. Therefore, it has been classified as a Variant of Uncertain Significance.

NM_000180.4(GUCY2D):c.226G>A (p.Ala76Thr)

Gene: GUCY2D (guanylate cyclase 2D, retinal; plus strand). Cytogenetic location: 17p13.1.
Variant type: single nucleotide variant.
Coding change: c.226G>A on transcript NM_000180.4 (MANE Select); coding-DNA position 226, G replaced by A.
Protein change: p.Ala76Thr; replaces alanine 76 with threonine.
Molecular consequence: missense variant.
Genome position (GRCh38, 1-based): chr17:8,003,273, G>A. VCF-style: chr17-8003273-G-A. GRCh37 (hg19) VCF-style: chr17-7906591-G-A.
Other names: short protein forms A76T.
Identifiers: ClinVar variation 4783295 (VCV004783295.1).